The following is an entry in ClinVar:

ClinVar aggregate classification (germline): Uncertain significance (1 of 4 stars; one submission).

Conditions:
Cardiovascular phenotype. Identifiers: MedGen CN230736.
Hereditary cancer-predisposing syndrome. Also called: Tumor predisposition; Neoplastic Syndromes, Hereditary; Hereditary Cancer Syndrome; Hereditary neoplastic syndrome. Identifiers: Orphanet 140162, MedGen C0027672, MeSH D009386, MONDO:0015356.

Submission:

Ambry Genetics
Classification: Uncertain significance for Cardiovascular phenotype; Hereditary cancer-predisposing syndrome. Last evaluated: 2025-01-05. Review status: criteria provided, single submitter. Criteria: Ambry Variant Classification Scheme 2023. Collection method: clinical testing. Allele origin: germline.
Comment: The p.D646Y variant (also known as c.1936G>T), located in coding exon 16 of the LZTR1 gene, results from a G to T substitution at nucleotide position 1936. The aspartic acid at codon 646 is replaced by tyrosine, an amino acid with highly dissimilar properties. This amino acid position is conserved. In addition, this alteration is predicted to be deleterious by in silico analysis. Based on the available evidence, the clinical significance of this variant remains unclear.

NM_006767.4(LZTR1):c.1936G>T (p.Asp646Tyr)

Gene: LZTR1 (leucine zipper like post translational regulator 1; plus strand). Cytogenetic location: 22q11.21.
Variant type: single nucleotide variant.
Coding change: c.1936G>T on transcript NM_006767.4 (MANE Select); coding-DNA position 1936, G replaced by T.
Protein change: p.Asp646Tyr; replaces aspartic acid 646 with tyrosine.
Molecular consequence: missense variant.
Genome position (GRCh38, 1-based): chr22:20,995,020, G>T. VCF-style: chr22-20995020-G-T. GRCh37 (hg19) VCF-style: chr22-21349309-G-T.
Other names: short protein forms D646Y.
Identifiers: ClinVar variation 3869287 (VCV003869287.1).